The following is an entry in ClinVar:

ClinVar aggregate classification (germline): Likely benign (0 of 4 stars; one submission).

Conditions:
BRSK2-related disorder. Also called: BRSK2-related condition; BRSK2-Related Disorders.

Allele frequency attached by ClinVar (database versions not stated): gnomAD 0.00002; TOPMed 0.00002.
gnomAD v4.1: 32 of 1,534,422 alleles (0.0021%); highest among the groups gnomAD compares: African/African-American, 0.0041%; no homozygotes.

Submission:

PreventionGenetics, part of Exact Sciences
Classification: Likely benign for BRSK2-related condition. Last evaluated: 2021-10-21. Review status: no assertion criteria provided. Collection method: clinical testing. Allele origin: germline.
Comment: This variant is classified as likely benign based on ACMG/AMP sequence variant interpretation guidelines (Richards et al. 2015 PMID: 25741868, with internal and published modifications).

NM_001256627.2(BRSK2):c.531-5C>T

Gene: BRSK2 (BR serine/threonine kinase 2; plus strand). Cytogenetic location: 11p15.5.
Variant type: single nucleotide variant.
Coding change: c.531-5C>T on transcript NM_001256627.2 (MANE Select); 5 bases into the intron before coding-DNA position 531, C replaced by T.
Molecular consequence: intron variant.
Genome position (GRCh38, 1-based): chr11:1,443,101, C>T. VCF-style: chr11-1443101-C-T. GRCh37 (hg19) VCF-style: chr11-1464331-C-T.
Other names: c.531-5C>T (NM_001256629.2, NM_003957.4); c.351-5C>T (NM_001282218.2); c.669-5C>T (NM_001256630.1).
Identifiers: ClinVar variation 3030458 (VCV003030458.2), dbSNP rs891933332, ClinGen allele CA217053070.